The following is an entry in ClinVar:

ClinVar aggregate classification (germline): Uncertain significance (1 of 4 stars; one submission).

Submission:

Labcorp Genetics (formerly Invitae), Labcorp
Classification: Uncertain significance. Last evaluated: 2020-11-25. Review status: criteria provided, single submitter. Criteria: Invitae Variant Classification Sherloc (09022015). Collection method: clinical testing. Allele origin: germline.
Comment: This sequence change replaces glycine with glutamic acid at codon 52 of the TYRP1 protein (p.Gly52Glu). The glycine residue is moderately conserved and there is a moderate physicochemical difference between glycine and glutamic acid. This variant is not present in population databases (ExAC no frequency). This variant has not been reported in the literature in individuals with TYRP1-related conditions. Algorithms developed to predict the effect of missense changes on protein structure and function (SIFT, PolyPhen-2, Align-GVGD) all suggest that this variant is likely to be tolerated, but these predictions have not been confirmed by published functional studies and their clinical significance is uncertain. In summary, the available evidence is currently insufficient to determine the role of this variant in disease. Therefore, it has been classified as a Variant of Uncertain Significance.

NM_000550.3(TYRP1):c.155G>A (p.Gly52Glu)

Gene: TYRP1 (tyrosinase related protein 1; plus strand). Cytogenetic location: 9p23.
Variant type: single nucleotide variant.
Coding change: c.155G>A on transcript NM_000550.3 (MANE Select); coding-DNA position 155, G replaced by A.
Protein change: p.Gly52Glu; replaces glycine 52 with glutamic acid.
Molecular consequence: missense variant.
Genome position (GRCh38, 1-based): chr9:12,694,151, G>A. VCF-style: chr9-12694151-G-A. GRCh37 (hg19) VCF-style: chr9-12694151-G-A.
Other names: short protein forms G52E.
Identifiers: ClinVar variation 1488797 (VCV001488797.8), dbSNP rs1481587693, ClinGen allele CA372936300.
Genomic context (GRCh38, chr9:12,694,151, plus strand): 5'-CTGTTGAGGCTTTGAGAAGTGGTATGTGTTGCCCAGACCTGTCCCCTGTGTCTGGGCCTG[G>A]GACAGACCGCTGTGGCTCATCATCAGGGAGGGGCAGATGTGAGGCAGTGACTGCAGACTC-3'
Protein context (NP_000541.1, residues 42-62): CPDLSPVSGP[Gly52Glu]TDRCGSSSGR